The following is an entry in ClinVar:

NM_001377.3(DYNC2H1):c.7923_7926del (p.Asp2641fs)

Gene: DYNC2H1 (dynein cytoplasmic 2 heavy chain 1; plus strand). Cytogenetic location: 11q22.3.
Variant type: Microsatellite.
Coding change: c.7923_7926del on transcript NM_001377.3 (MANE Select); coding-DNA positions 7923 to 7926, 4 bases deleted (TAGA; older notation c.7923_7926delTAGA).
Protein change: p.Asp2641fs; shifts the reading frame from aspartic acid 2641.
Molecular consequence: frameshift variant.
Genome position (GRCh38, 1-based): chr11:103,199,311-103,199,314, TAGA deleted; deleting any 4 consecutive bases within chr11:103,199,305-103,199,314 gives the same sequence; the c. name uses the placement nearest the transcript's 3' end. VCF-style (leftmost placement, unchanged base first): chr11-103199304-GGATA-G. GRCh37 (hg19) VCF-style: chr11-103070033-GGATA-G.
Other names: c.7923_7926del, p.Asp2641fs (NM_001080463.2); short protein forms D2641fs.
Identifiers: ClinVar variation 2919843 (VCV002919843.4), dbSNP rs1565389359, ClinGen allele CA918956466.

ClinVar aggregate classification (germline): Pathogenic. Review status: criteria provided, multiple submitters, no conflicts (2 of 4 stars). 2 submissions from 2 submitters: Pathogenic (2). Last evaluated 2025-03-21.

Conditions:
Jeune thoracic dystrophy. Also called: Short-rib thoracic dysplasia; Jeune syndrome; Infantile thoracic dystrophy; Thoracic pelvic phalangeal dystrophy; Jeune's syndrome; Chondroectodermal dysplasia-like syndrome. Identifiers: Orphanet 474, MedGen C0265275, MONDO:0018770.
Asphyxiating thoracic dystrophy 3. Also called: POLYDACTYLY WITH NEONATAL CHONDRODYSTROPHY, TYPE I; SHORT-RIB THORACIC DYSPLASIA 3/6 WITH POLYDACTYLY, DIGENIC; Short rib polydactyly syndrome 2B; SHORT-RIB THORACIC DYSPLASIA 3 WITH OR WITHOUT POLYDACTYLY; Saldino-Noonan Syndrome. Identifiers: Orphanet 474, Orphanet 93269, Orphanet 93270, Orphanet 93271, MedGen C0036069, MONDO:0013127, OMIM 613091.

Submissions (2):

Myriad Genetics, Inc.
Classification: Pathogenic for Asphyxiating thoracic dystrophy 3. Last evaluated: 2025-03-21. Review status: criteria provided, single submitter. Criteria: Myriad Autosomal Dominant, Autosomal Recessive and X-Linked Classification Criteria (2023). Collection method: clinical testing. Allele origin: unknown.
Comment: NM_001377.2(DYNC2H1):c.7923_7926delTAGA(D2641Efs*3) is expected to be pathogenic in the context of DYNC2H1-related disorders. This variant is predicted to lead to an abnormal or absent protein product due to the creation of a premature termination codon in DYNC2H1, a gene where loss-of-function variants are known to be pathogenic. Please note: this variant was assessed in the context of healthy population screening.

Labcorp Genetics (formerly Invitae), Labcorp
Classification: Pathogenic for Jeune thoracic dystrophy. Last evaluated: 2023-09-20. Review status: criteria provided, single submitter. Criteria: Invitae Variant Classification Sherloc (09022015). Collection method: clinical testing. Allele origin: germline.
Comment: For these reasons, this variant has been classified as Pathogenic. This variant has not been reported in the literature in individuals affected with DYNC2H1-related conditions. This variant is not present in population databases (gnomAD no frequency). This sequence change creates a premature translational stop signal (p.Asp2641Glufs*3) in the DYNC2H1 gene. It is expected to result in an absent or disrupted protein product. Loss-of-function variants in DYNC2H1 are known to be pathogenic (PMID: 23339108, 32753734, 33755199).

Literature cited by the submitters: PubMed 23339108 (cited by Labcorp Genetics (formerly Invitae), Labcorp); PubMed 32753734 (cited by Labcorp Genetics (formerly Invitae), Labcorp); PubMed 33755199 (cited by Labcorp Genetics (formerly Invitae), Labcorp).